The following is an entry in ClinVar:

ClinVar aggregate classification (germline): Uncertain significance. Review status: criteria provided, multiple submitters, no conflicts (2 of 4 stars). 3 submissions from 3 submitters: Uncertain significance (3). Last evaluated 2024-05-29.

Conditions:
Hereditary cancer-predisposing syndrome. Also called: Hereditary neoplastic syndrome; Tumor predisposition; Neoplastic Syndromes, Hereditary; Hereditary Cancer Syndrome. Identifiers: Orphanet 140162, MedGen C0027672, MeSH D009386, MONDO:0015356.
Familial cancer of breast. Also called: Hereditary breast cancer; BREAST CANCER, FAMILIAL; hereditary breast carcinoma. Identifiers: Orphanet 227535, MedGen C0346153, MONDO:0016419, OMIM 114480. Disease mechanism: loss of function.

Submissions (3):

Labcorp Genetics (formerly Invitae), Labcorp
Classification: Uncertain significance for Familial cancer of breast. Last evaluated: 2024-05-29. Review status: criteria provided, single submitter. Criteria: Invitae Variant Classification Sherloc (09022015). Collection method: clinical testing. Allele origin: germline.
Comment: This sequence change replaces valine, which is neutral and non-polar, with glycine, which is neutral and non-polar, at codon 399 of the CHEK2 protein (p.Val399Gly). This variant is not present in population databases (gnomAD no frequency). This variant has not been reported in the literature in individuals affected with CHEK2-related conditions. ClinVar contains an entry for this variant (Variation ID: 419559). An algorithm developed to predict the effect of missense changes on protein structure and function (PolyPhen-2) suggests that this variant is likely to be tolerated. In summary, the available evidence is currently insufficient to determine the role of this variant in disease. Therefore, it has been classified as a Variant of Uncertain Significance.

GeneDx
Classification: Uncertain significance. Last evaluated: 2023-12-18. Review status: criteria provided, single submitter. Criteria: GeneDx Variant Classification Process June 2021. Collection method: clinical testing. Allele origin: germline. Affected: yes.
Comment: Not observed at significant frequency in large population cohorts (gnomAD); In silico analysis supports that this missense variant does not alter protein structure/function; Has not been previously published as pathogenic or benign to our knowledge; This variant is associated with the following publications: (PMID: 22419737, 19782031)

Ambry Genetics
Classification: Uncertain significance for Hereditary cancer-predisposing syndrome. Last evaluated: 2021-06-26. Review status: criteria provided, single submitter. Criteria: Ambry Variant Classification Scheme 2023. Collection method: clinical testing. Allele origin: germline.
Comment: The p.V399G variant (also known as c.1196T>G), located in coding exon 10 of the CHEK2 gene, results from a T to G substitution at nucleotide position 1196. The valine at codon 399 is replaced by glycine, an amino acid with dissimilar properties. This amino acid position is conserved. In addition, this alteration is predicted to be tolerated by in silico analysis. Since supporting evidence is limited at this time, the clinical significance of this alteration remains unclear.

NM_007194.4(CHEK2):c.1196T>G (p.Val399Gly)

Gene: CHEK2 (checkpoint kinase 2; minus strand). Cytogenetic location: 22q12.1.
Variant type: single nucleotide variant.
Coding change: c.1196T>G on transcript NM_007194.4 (MANE Select); coding-DNA position 1196, T replaced by G.
Protein change: p.Val399Gly; replaces valine 399 with glycine.
Molecular consequence: missense variant.
Genome position (GRCh38, 1-based): chr22:28,695,773, A>C on the plus strand (T>G on the coding strand, the complement: CHEK2 is on the minus strand). VCF-style: chr22-28695773-A-C. GRCh37 (hg19) VCF-style: chr22-29091761-A-C.
Other names: c.1325T>G, p.Val442Gly (NM_001005735.3); c.533T>G, p.Val178Gly (NM_001257387.3); c.995T>G, p.Val332Gly (NM_001349956.3); c.1109T>G, p.Val370Gly (NM_145862.3); short protein forms V399G, V332G, V370G, V442G, V178G.
Identifiers: ClinVar variation 419559 (VCV000419559.14), dbSNP rs527878975, ClinGen allele CA16621054.